The following is an entry in ClinVar:

NM_001348800.3(ZBTB20):c.2119G>T (p.Val707Leu)

Gene: ZBTB20 (zinc finger and BTB domain containing 20; minus strand). Cytogenetic location: 3q13.31.
Variant type: single nucleotide variant.
Coding change: c.2119G>T on transcript NM_001348800.3 (MANE Select); coding-DNA position 2119, G replaced by T.
Protein change: p.Val707Leu; replaces valine 707 with leucine.
Molecular consequence: missense variant. On other transcripts: non-coding transcript variant (1).
Genome position (GRCh38, 1-based): chr3:114,339,112, C>A on the plus strand (G>T on the coding strand, the complement: ZBTB20 is on the minus strand). VCF-style: chr3-114339112-C-A. GRCh37 (hg19) VCF-style: chr3-114057959-C-A.
Other names: c.2119G>T (NM_001164342.1); c.2119G>T, p.Val707Leu (NM_001164342.2, NM_001348803.3, NM_001393393.1 and 1 more transcripts); c.1900G>T, p.Val634Leu (NM_001164343.2, NM_001164344.4, NM_001164345.4 and 9 more transcripts); short protein forms V634L, V707L.
Identifiers: ClinVar variation 3623262 (VCV003623262.7).

ClinVar aggregate classification (germline): Conflicting classifications of pathogenicity. Review status: criteria provided, conflicting classifications (1 of 4 stars). 3 submissions from 3 submitters: Uncertain significance (2); Likely benign (1). Last evaluated 2026-03-01.

Conditions:
Inborn genetic diseases. Identifiers: MedGen C0950123, MeSH D030342.

gnomAD v4.1: 55 of 1,608,020 alleles (0.0034%); highest among the groups gnomAD compares: Middle Eastern, 0.016%; no homozygotes.

Submissions (3):

CeGaT Center for Human Genetics Tuebingen
Classification: Likely benign. Last evaluated: 2026-03-01. Review status: criteria provided, single submitter. Criteria: CeGaT Center For Human Genetics Tuebingen Variant Classification Criteria Version 2. Collection method: clinical testing. Allele origin: germline. Affected: yes. Observed: 1 variant allele.
Comment: ZBTB20: BS2

Ambry Genetics
Classification: Uncertain significance for Inborn genetic diseases. Last evaluated: 2025-06-23. Review status: criteria provided, single submitter. Criteria: Ambry Variant Classification Scheme 2023. Collection method: clinical testing. Allele origin: germline.

Labcorp Genetics (formerly Invitae), Labcorp
Classification: Uncertain significance. Last evaluated: 2024-11-18. Review status: criteria provided, single submitter. Criteria: Invitae Variant Classification Sherloc (09022015). Collection method: clinical testing. Allele origin: germline.
Comment: This sequence change replaces valine, which is neutral and non-polar, with leucine, which is neutral and non-polar, at codon 707 of the ZBTB20 protein (p.Val707Leu). This variant is present in population databases (rs141917042, gnomAD 0.007%). This variant has not been reported in the literature in individuals affected with ZBTB20-related conditions. Invitae Evidence Modeling of protein sequence and biophysical properties (such as structural, functional, and spatial information, amino acid conservation, physicochemical variation, residue mobility, and thermodynamic stability) indicates that this missense variant is not expected to disrupt ZBTB20 protein function with a negative predictive value of 95%. In summary, the available evidence is currently insufficient to determine the role of this variant in disease. Therefore, it has been classified as a Variant of Uncertain Significance.